The following is an entry in ClinVar:

ClinVar aggregate classification (germline): Uncertain significance (1 of 4 stars; one submission).

Conditions:
RASopathy. Also called: rasopathies; Noonan spectrum disorder. Identifiers: Orphanet 536391, MedGen C5555857, MONDO:0021060.

Submission:

Labcorp Genetics (formerly Invitae), Labcorp
Classification: Uncertain significance for RASopathy. Last evaluated: 2025-02-26. Review status: criteria provided, single submitter. Criteria: Invitae Variant Classification Sherloc (09022015). Collection method: clinical testing. Allele origin: germline.
Comment: This sequence change replaces isoleucine, which is neutral and non-polar, with valine, which is neutral and non-polar, at codon 554 of the BRAF protein (p.Ile554Val). This variant is not present in population databases (gnomAD no frequency). This variant has not been reported in the literature in individuals affected with BRAF-related conditions. Invitae Evidence Modeling of protein sequence and biophysical properties (such as structural, functional, and spatial information, amino acid conservation, physicochemical variation, residue mobility, and thermodynamic stability) indicates that this missense variant is not expected to disrupt BRAF protein function with a negative predictive value of 80%. In summary, the available evidence is currently insufficient to determine the role of this variant in disease. Therefore, it has been classified as a Variant of Uncertain Significance.

NM_004333.6(BRAF):c.1660A>G (p.Ile554Val)

Gene: BRAF (B-Raf proto-oncogene, serine/threonine kinase; minus strand). Cytogenetic location: 7q34.
Variant type: single nucleotide variant.
Coding change: c.1660A>G on transcript NM_004333.6 (MANE Select); coding-DNA position 1660, A replaced by G.
Protein change: p.Ile554Val; replaces isoleucine 554 with valine.
Molecular consequence: missense variant.
Genome position (GRCh38, 1-based): chr7:140,776,946, T>C on the plus strand (A>G on the coding strand, the complement: BRAF is on the minus strand). VCF-style: chr7-140776946-T-C. GRCh37 (hg19) VCF-style: chr7-140476746-T-C.
Other names: c.1660A>G, p.Ile554Val (NM_001354609.2, NM_001378468.1, NM_001378474.1); c.1780A>G, p.Ile594Val (NM_001374244.1, NM_001374258.1); c.1669A>G, p.Ile557Val (NM_001378467.1); c.1594A>G, p.Ile532Val (NM_001378469.1); c.1558A>G, p.Ile520Val (NM_001378470.1); c.1549A>G, p.Ile517Val (NM_001378471.1); c.1504A>G, p.Ile502Val (NM_001378472.1, NM_001378473.1); c.1396A>G, p.Ile466Val (NM_001378475.1); short protein forms I466V, I554V, I520V, I594V, I502V, I557V, I517V, I532V.
Identifiers: ClinVar variation 4744383 (VCV004744383.1).